The following is an entry in ClinVar:

ClinVar aggregate classification (germline): Uncertain significance (1 of 4 stars; one submission).

Conditions:
Inborn genetic diseases. Identifiers: MedGen C0950123, MeSH D030342.

Submission:

Ambry Genetics
Classification: Uncertain significance for Inborn genetic diseases. Last evaluated: 2025-10-13. Review status: criteria provided, single submitter. Criteria: Ambry Variant Classification Scheme 2023. Collection method: clinical testing. Allele origin: germline.
Comment: The p.P132L variant (also known as c.395C>T), located in coding exon 4 of the ETV6 gene, results from a C to T substitution at nucleotide position 395. The proline at codon 132 is replaced by leucine, an amino acid with similar properties. This amino acid position is conserved. In addition, the in silico prediction for this alteration is inconclusive. Based on the available evidence, the clinical significance of this variant remains unclear.

NM_001987.5(ETV6):c.395C>T (p.Pro132Leu)

Gene: ETV6 (ETS variant transcription factor 6; plus strand). Cytogenetic location: 12p13.2.
Variant type: single nucleotide variant.
Coding change: c.395C>T on transcript NM_001987.5 (MANE Select); coding-DNA position 395, C replaced by T.
Protein change: p.Pro132Leu; replaces proline 132 with leucine.
Molecular consequence: missense variant.
Genome position (GRCh38, 1-based): chr12:11,853,493, C>T. VCF-style: chr12-11853493-C-T. GRCh37 (hg19) VCF-style: chr12-12006427-C-T.
Other names: c.131C>T, p.Pro44Leu (NM_001413915.1); c.395C>T, p.Pro132Leu (NM_001413916.1, NM_001413917.1); c.392C>T, p.Pro131Leu (NM_001413913.1); c.368C>T, p.Pro123Leu (NM_001413914.1); short protein forms P123L, P44L, P131L, P132L.
Identifiers: ClinVar variation 4618852 (VCV004618852.1).